The following is an entry in ClinVar:

ClinVar aggregate classification (germline): Uncertain significance (1 of 4 stars; one submission).

Conditions:
Ataxia-telangiectasia syndrome (AT). Also called: Ataxia-telangiectasia, complementation group D; AT, COMPLEMENTATION GROUP C; Ataxia-telangiectasia; Ataxia telangiectasia (A-T); Cerebello-oculocutaneous telangiectasia; Immunodeficiency with ataxia telangiectasia. Identifiers: Orphanet 100, MedGen C0004135, MONDO:0008840, OMIM 208900.

Submission:

Labcorp Genetics (formerly Invitae), Labcorp
Classification: Uncertain significance for Ataxia-telangiectasia syndrome. Last evaluated: 2024-03-28. Review status: criteria provided, single submitter. Criteria: Invitae Variant Classification Sherloc (09022015). Collection method: clinical testing. Allele origin: germline.
Comment: This sequence change replaces glutamic acid, which is acidic and polar, with lysine, which is basic and polar, at codon 1267 of the ATM protein (p.Glu1267Lys). This variant is not present in population databases (gnomAD no frequency). This variant has not been reported in the literature in individuals affected with ATM-related conditions. An algorithm developed to predict the effect of missense changes on protein structure and function (PolyPhen-2) suggests that this variant is likely to be tolerated. In summary, the available evidence is currently insufficient to determine the role of this variant in disease. Therefore, it has been classified as a Variant of Uncertain Significance.

NM_000051.4(ATM):c.3799G>A (p.Glu1267Lys)

Gene: ATM (ATM serine/threonine kinase; plus strand). Cytogenetic location: 11q22.3.
Variant type: single nucleotide variant.
Coding change: c.3799G>A on transcript NM_000051.4 (MANE Select); coding-DNA position 3799, G replaced by A.
Protein change: p.Glu1267Lys; replaces glutamic acid 1267 with lysine.
Molecular consequence: missense variant.
Genome position (GRCh38, 1-based): chr11:108,284,279, G>A. VCF-style: chr11-108284279-G-A. GRCh37 (hg19) VCF-style: chr11-108155006-G-A.
Other names: c.3799G>A, p.Glu1267Lys (NM_001351834.2); short protein forms E1267K.
Identifiers: ClinVar variation 3612500 (VCV003612500.2).